The following is an entry in ClinVar:

ClinVar aggregate classification (germline): Conflicting classifications of pathogenicity. Review status: criteria provided, conflicting classifications (1 of 4 stars). 4 submissions from 4 submitters: Uncertain significance (3); Benign (1). Last evaluated 2025-09-17.

Conditions:
Hereditary cancer-predisposing syndrome. Also called: Hereditary neoplastic syndrome; Hereditary Cancer Syndrome; Neoplastic Syndromes, Hereditary; Tumor predisposition. Identifiers: Orphanet 140162, MedGen C0027672, MeSH D009386, MONDO:0015356.
Familial adenomatous polyposis 2. Also called: MYH-associated polyposis; COLORECTAL ADENOMATOUS POLYPOSIS, AUTOSOMAL RECESSIVE; ADENOMAS, MULTIPLE COLORECTAL, AUTOSOMAL RECESSIVE; MUTYH-related attenuated familial adenomatous polyposis; Adenomas, multiple colorectal; FAP type 2. Identifiers: Orphanet 220460, Orphanet 247798, MedGen C3272841, MONDO:0012041, OMIM 608456.

Submissions (4):

Ambry Genetics
Classification: Benign for Hereditary cancer-predisposing syndrome. Last evaluated: 2025-09-17. Review status: criteria provided, single submitter. Criteria: Ambry Variant Classification Scheme 2023. Collection method: clinical testing. Allele origin: germline.

Labcorp Genetics (formerly Invitae), Labcorp
Classification: Uncertain significance for Familial adenomatous polyposis 2. Last evaluated: 2024-02-11. Review status: criteria provided, single submitter. Criteria: Invitae Variant Classification Sherloc (09022015). Collection method: clinical testing. Allele origin: germline.
Comment: This sequence change replaces valine, which is neutral and non-polar, with leucine, which is neutral and non-polar, at codon 22 of the MUTYH protein (p.Val22Leu). This variant is not present in population databases (gnomAD no frequency). This variant has not been reported in the literature in individuals affected with MUTYH-related conditions. ClinVar contains an entry for this variant (Variation ID: 483892). An algorithm developed to predict the effect of missense changes on protein structure and function (PolyPhen-2) suggests that this variant is likely to be tolerated. In summary, the available evidence is currently insufficient to determine the role of this variant in disease. Therefore, it has been classified as a Variant of Uncertain Significance.

All of Us Research Program, National Institutes of Health
Classification: Uncertain significance for Familial adenomatous polyposis 2. Last evaluated: 2023-05-16. Review status: criteria provided, single submitter. Criteria: ACMG Guidelines, 2015. Collection method: clinical testing. Allele origin: germline. Inheritance: Autosomal recessive inheritance. Observed: 1 variant allele, 1 heterozygote.
Comment: This missense variant replaces valine with leucine at codon 22 of the MUTYH protein. Computational prediction suggests that this variant may not impact protein structure and function (internally defined REVEL score threshold <= 0.5, PMID: 27666373). To our knowledge, functional studies have not been reported for this variant. This variant has not been reported in individuals affected with MUTYH-related disorders in the literature. This variant has not been identified in the general population by the Genome Aggregation Database (gnomAD). The available evidence is insufficient to determine the role of this variant in disease conclusively. Therefore, this variant is classified as a Variant of Uncertain Significance.

This study involves interpretation of variants in research participants for the purpose of population health screening. Participant phenotype was not available at the time of variant classification. Additional details can be found in publication PMID: 35346344, PMCID: PMC8962531

Color Diagnostics, LLC DBA Color Health
Classification: Uncertain significance for Hereditary cancer-predisposing syndrome. Last evaluated: 2023-04-26. Review status: criteria provided, single submitter. Criteria: ACMG Guidelines, 2015. Collection method: clinical testing. Allele origin: germline.
Comment: This missense variant replaces valine with leucine at codon 22 of the MUTYH protein. Computational prediction suggests that this variant may not impact protein structure and function (internally defined REVEL score threshold <= 0.5, PMID: 27666373). To our knowledge, functional studies have not been reported for this variant. This variant has not been reported in individuals affected with MUTYH-related disorders in the literature. This variant has not been identified in the general population by the Genome Aggregation Database (gnomAD). The available evidence is insufficient to determine the role of this variant in disease conclusively. Therefore, this variant is classified as a Variant of Uncertain Significance.

Literature cited by the submitters: PubMed 20149637 (cited by Ambry Genetics); PubMed 23605219 (cited by Ambry Genetics); PubMed 24039736 (cited by Ambry Genetics); PubMed 28608266 (cited by Ambry Genetics); PubMed 29458332 (cited by Ambry Genetics); PubMed 30098577 (cited by Ambry Genetics); PubMed 32072083 (cited by Ambry Genetics).

NM_001048174.2(MUTYH):c.22G>T (p.Val8Leu)

Gene: MUTYH (mutY DNA glycosylase; minus strand). Cytogenetic location: 1p34.1.
Variant type: single nucleotide variant.
Coding change: c.22G>T on transcript NM_001048174.2 (MANE Select); coding-DNA position 22, G replaced by T.
Protein change: p.Val8Leu; replaces valine 8 with leucine.
Molecular consequence: missense variant. On other transcripts: 5 prime UTR variant (4), non-coding transcript variant (2).
Genome position (GRCh38, 1-based): chr1:45,334,484, C>A on the plus strand (G>T on the coding strand, the complement: MUTYH is on the minus strand). VCF-style: chr1-45334484-C-A. GRCh37 (hg19) VCF-style: chr1-45800156-C-A.
Other names: c.22G>T, p.Val8Leu (NM_001048171.2, NM_001048172.2, NM_001048173.2 and 2 more transcripts); c.64G>T, p.Val22Leu (NM_001128425.2, NM_001293190.2, NM_012222.3); c.-191G>T (NM_001293192.2, NM_001293196.2); c.-250G>T (NM_001350650.2); c.-186G>T (NM_001350651.2); short protein forms V22L, V8L.
Identifiers: ClinVar variation 483892 (VCV000483892.20), dbSNP rs3219484, ClinGen allele CA340137214.